The following is an entry in ClinVar:

NM_177438.3(DICER1):c.680A>G (p.Glu227Gly)

Gene: DICER1 (dicer 1, ribonuclease III; minus strand). Cytogenetic location: 14q32.13.
Variant type: single nucleotide variant.
Coding change: c.680A>G on transcript NM_177438.3 (MANE Select); coding-DNA position 680, A replaced by G.
Protein change: p.Glu227Gly; replaces glutamic acid 227 with glycine.
Molecular consequence: missense variant. On other transcripts: 5 prime UTR variant (1), non-coding transcript variant (6).
Genome position (GRCh38, 1-based): chr14:95,129,526, T>C on the plus strand (A>G on the coding strand, the complement: DICER1 is on the minus strand). VCF-style: chr14-95129526-T-C. GRCh37 (hg19) VCF-style: chr14-95595863-T-C.
Other names: c.680A>G, p.Glu227Gly (NM_001195573.1, NM_001271282.3, NM_001291628.2 and 15 more transcripts); c.398A>G, p.Glu133Gly (NM_001395686.1); c.275A>G, p.Glu92Gly (NM_001395687.1, NM_001395688.1, NM_001395689.1 and 3 more transcripts); c.113A>G, p.Glu38Gly (NM_001395691.1); c.-889A>G (NM_001395697.1); short protein forms E133G, E92G, E227G, E38G.
Identifiers: ClinVar variation 1755559 (VCV001755559.2), dbSNP rs2543282001, ClinGen allele CA390888075.

ClinVar aggregate classification (germline): Uncertain significance (1 of 4 stars; one submission).

Conditions:
Hereditary cancer-predisposing syndrome. Also called: Neoplastic Syndromes, Hereditary; Tumor predisposition; Hereditary Cancer Syndrome; Hereditary neoplastic syndrome. Identifiers: Orphanet 140162, MedGen C0027672, MeSH D009386, MONDO:0015356.

Submission:

Ambry Genetics
Classification: Uncertain significance for Hereditary cancer-predisposing syndrome. Last evaluated: 2020-05-19. Review status: criteria provided, single submitter. Criteria: Ambry Variant Classification Scheme 2023. Collection method: clinical testing. Allele origin: germline.
Comment: The p.E227G variant (also known as c.680A>G), located in coding exon 5 of the DICER1 gene, results from an A to G substitution at nucleotide position 680. The glutamic acid at codon 227 is replaced by glycine, an amino acid with similar properties. This amino acid position is highly conserved in available vertebrate species. In addition, this alteration is predicted to be deleterious by in silico analysis. Since supporting evidence is limited at this time, the clinical significance of this alteration remains unclear.